The following is an entry in ClinVar:

NM_006289.4(TLN1):c.2358A>G (p.Lys786=)

Gene: TLN1 (talin 1; minus strand). Cytogenetic location: 9p13.3.
Variant type: single nucleotide variant.
Coding change: c.2358A>G on transcript NM_006289.4 (MANE Select); coding-DNA position 2358, A replaced by G.
Protein change: p.Lys786=; no amino-acid change (lysine 786 retained).
Molecular consequence: synonymous variant.
Genome position (GRCh38, 1-based): chr9:35,717,246, T>C on the plus strand (A>G on the coding strand, the complement: TLN1 is on the minus strand). VCF-style: chr9-35717246-T-C. GRCh37 (hg19) VCF-style: chr9-35717243-T-C.
Identifiers: ClinVar variation 4979814 (VCV004979814.1).

ClinVar aggregate classification (germline): Likely benign (1 of 4 stars; one submission).

Conditions:
TLN1-related disorder. Also called: TLN1-related condition.

gnomAD v4.1: 46 of 1,614,214 alleles (0.0028%); highest among the groups gnomAD compares: Middle Eastern, 0.36%; no homozygotes.

Submission:

PreventionGenetics, part of Exact Sciences
Classification: Likely benign for TLN1-related condition. Last evaluated: 2025-08-20. Review status: criteria provided, single submitter. Criteria: ACMG Guidelines, 2015. Collection method: clinical testing. Allele origin: germline.
Comment: This variant is classified as likely benign based on ACMG/AMP sequence variant interpretation guidelines (Richards et al. 2015 PMID: 25741868, with internal and published modifications).